The following is an entry in ClinVar:

ClinVar aggregate classification (germline): Uncertain significance (1 of 4 stars; one submission).

Conditions:
Primary ciliary dyskinesia 28. Also called: CILIARY DYSKINESIA, PRIMARY, 28, WITH OR WITHOUT SITUS INVERSUS. Identifiers: Orphanet 244, MedGen C3809706, MONDO:0014216, OMIM 615505.

Submission:

Labcorp Genetics (formerly Invitae), Labcorp
Classification: Uncertain significance for Primary ciliary dyskinesia 28. Last evaluated: 2024-01-22. Review status: criteria provided, single submitter. Criteria: Invitae Variant Classification Sherloc (09022015). Collection method: clinical testing. Allele origin: germline.
Comment: This sequence change replaces methionine, which is neutral and non-polar, with threonine, which is neutral and polar, at codon 777 of the SPAG1 protein (p.Met777Thr). This variant is present in population databases (no rsID available, gnomAD 0.07%), and has an allele count higher than expected for a pathogenic variant. This variant has not been reported in the literature in individuals affected with SPAG1-related conditions. ClinVar contains an entry for this variant (Variation ID: 410997). Algorithms developed to predict the effect of missense changes on protein structure and function output the following: SIFT: "Not Available"; PolyPhen-2: "Benign"; Align-GVGD: "Not Available". The threonine amino acid residue is found in multiple mammalian species, which suggests that this missense change does not adversely affect protein function. In summary, the available evidence is currently insufficient to determine the role of this variant in disease. Therefore, it has been classified as a Variant of Uncertain Significance.

NM_003114.5(SPAG1):c.2330_2331inv (p.Met777Thr)

Gene: SPAG1 (sperm associated antigen 1; plus strand). Cytogenetic location: 8q22.2.
Variant type: Inversion.
Coding change: c.2330_2331inv on transcript NM_003114.5 (MANE Select).
Protein change: p.Met777Thr; replaces methionine 777 with threonine.
Molecular consequence: missense variant.
Genome position: GRCh38 VCF-style: chr8-100240452-TG-CA. GRCh37 (hg19) VCF-style: chr8-101252680-TG-CA.
Other names: c.2330_2331invTG (NM_172218.2); c.2330_2331inv, p.Met777Thr (NM_001374321.1, NM_172218.3); short protein forms M777T.
Identifiers: ClinVar variation 410997 (VCV000410997.9), ClinGen allele CA16612459.